The following is an entry in ClinVar:

NM_033028.5(BBS4):c.157-3C>G

Gene: BBS4 (Bardet-Biedl syndrome 4; plus strand). Cytogenetic location: 15q24.1.
Variant type: single nucleotide variant.
Coding change: c.157-3C>G on transcript NM_033028.5 (MANE Select); 3 bases into the intron before coding-DNA position 157, C replaced by G.
Molecular consequence: intron variant.
Genome position (GRCh38, 1-based): chr15:72,712,241, C>G. VCF-style: chr15-72712241-C-G. GRCh37 (hg19) VCF-style: chr15-73004582-C-G.
Other names: c.157-3C>G (NM_001320665.2); c.-365-3C>G (NM_001252678.2).
Identifiers: ClinVar variation 585184 (VCV000585184.45), dbSNP rs1567412639, ClinGen allele CA913190634.

ClinVar aggregate classification (germline): Pathogenic. Review status: criteria provided, multiple submitters, no conflicts (2 of 4 stars). 4 submissions from 4 submitters: Pathogenic (3). 1 of the submissions does not count toward it. Last evaluated 2024-07-18.

Conditions:
BBS4-related disorder. Also called: BBS4-related condition.
Bardet-Biedl syndrome (BBS). Identifiers: Orphanet 110, MedGen C0752166, MONDO:0015229.

Submissions (4):

Blueprint Genetics
Classification: Pathogenic for BBS4-related disorders. Last evaluated: 2024-07-18. Review status: criteria provided, single submitter. Criteria: ACMG Guidelines, 2015. Collection method: clinical testing. Allele origin: germline. Affected: yes. Observed: 2 variant alleles.

Labcorp Genetics (formerly Invitae), Labcorp
Classification: Pathogenic for Bardet-Biedl syndrome. Last evaluated: 2023-06-17. Review status: criteria provided, single submitter. Criteria: Invitae Variant Classification Sherloc (09022015). Collection method: clinical testing. Allele origin: germline.
Comment: This sequence change falls in intron 3 of the BBS4 gene. It does not directly change the encoded amino acid sequence of the BBS4 protein. It affects a nucleotide within the consensus splice site. This variant is not present in population databases (gnomAD no frequency). This variant has been observed in individual(s) with Bardet Biedl syndrome (PMID: 19797195, 30614526, 32531858). ClinVar contains an entry for this variant (Variation ID: 585184). Variants that disrupt the consensus splice site are a relatively common cause of aberrant splicing (PMID: 17576681, 9536098). Algorithms developed to predict the effect of sequence changes on RNA splicing suggest that this variant may disrupt the consensus splice site. For these reasons, this variant has been classified as Pathogenic.

CeGaT Center for Human Genetics Tuebingen
Classification: Pathogenic. Last evaluated: 2018-12-01. Review status: criteria provided, single submitter. Criteria: CeGaT Center For Human Genetics Tuebingen Variant Classification Criteria Version 2. Collection method: clinical testing. Allele origin: germline. Affected: yes. Observed: 3 variant alleles.

Laboratory of Medical Genetics (UMR_S 1112), INSERM/Strasbourg University
Classification: Pathogenic for Bardet-Biedl syndrome. Last evaluated: 2018-09-15. Review status: no assertion criteria provided. Collection method: provider interpretation. Allele origin: germline. Affected: yes. Study: French fetal BBS cohort. Not counted in ClinVar's aggregate classification.

Literature cited by the submitters: PubMed 19797195 (cited by Labcorp Genetics (formerly Invitae), Labcorp); PubMed 30614526 (cited by Labcorp Genetics (formerly Invitae), Labcorp and Laboratory of Medical Genetics (UMR_S 1112), INSERM/Strasbourg University); PubMed 32531858 (cited by Labcorp Genetics (formerly Invitae), Labcorp); PubMed 17576681 (cited by Labcorp Genetics (formerly Invitae), Labcorp); PubMed 9536098 (cited by Labcorp Genetics (formerly Invitae), Labcorp).